The following is an entry in ClinVar:

NM_001378454.1(ALMS1):c.11882G>A (p.Trp3961Ter)

Genes: ALMS1 (ALMS1 centrosome and basal body associated protein; plus strand), LOC126806252 (BRD4-independent group 4 enhancer GRCh37_chr2:73828496-73829695; plus strand). Cytogenetic location: 2p13.1.
Variant type: single nucleotide variant.
Coding change: c.11882G>A on transcript NM_001378454.1 (MANE Select); coding-DNA position 11882, G replaced by A.
Protein change: p.Trp3961Ter; replaces tryptophan 3961 with a stop codon.
Molecular consequence: nonsense.
Genome position (GRCh38, 1-based): chr2:73,601,204, G>A. VCF-style: chr2-73601204-G-A. GRCh37 (hg19) VCF-style: chr2-73828331-G-A.
Other names: c.11885G>A, p.Trp3962Ter (NM_015120.4); short protein forms W3961*, W3962*.
Identifiers: ClinVar variation 1459237 (VCV001459237.6), dbSNP rs1332287946, ClinGen allele CA347265390.

ClinVar aggregate classification (germline): Pathogenic (1 of 4 stars; one submission).

Conditions:
Alstrom syndrome (ALMS). Identifiers: Orphanet 64, MedGen C0268425, MONDO:0008763, OMIM 203800.

Submission:

Labcorp Genetics (formerly Invitae), Labcorp
Classification: Pathogenic for Alstrom syndrome. Last evaluated: 2020-10-30. Review status: criteria provided, single submitter. Criteria: Invitae Variant Classification Sherloc (09022015). Collection method: clinical testing. Allele origin: germline.
Comment: This sequence change creates a premature translational stop signal (p.Trp3962*) in the ALMS1 gene. It is expected to result in an absent or disrupted protein product. Loss-of-function variants in ALMS1 are known to be pathogenic (PMID: 17594715). This variant is not present in population databases (ExAC no frequency). For these reasons, this variant has been classified as Pathogenic. This variant has not been reported in the literature in individuals with ALMS1-related conditions.

Literature cited by the submitters: PubMed 17594715.